The following is an entry in ClinVar:

ClinVar aggregate classification (germline): Uncertain significance. Review status: criteria provided, multiple submitters, no conflicts (2 of 4 stars). 2 submissions from 2 submitters: Uncertain significance (2). Last evaluated 2022-02-10.

Conditions:
Hereditary cancer-predisposing syndrome. Also called: Hereditary Cancer Syndrome; Neoplastic Syndromes, Hereditary; Tumor predisposition; Hereditary neoplastic syndrome. Identifiers: Orphanet 140162, MedGen C0027672, MeSH D009386, MONDO:0015356.
Familial adenomatous polyposis 1 (FAP1). Also called: FAMILIAL ADENOMATOUS POLYPOSIS 1, ATTENUATED; POLYPOSIS, ADENOMATOUS INTESTINAL. Identifiers: MedGen C2713442, MONDO:0021056, OMIM 175100. Disease mechanism: loss of function.

Submissions (2):

Labcorp Genetics (formerly Invitae), Labcorp
Classification: Uncertain significance for Familial adenomatous polyposis 1. Last evaluated: 2022-02-10. Review status: criteria provided, single submitter. Criteria: Invitae Variant Classification Sherloc (09022015). Collection method: clinical testing. Allele origin: germline.
Comment: Algorithms developed to predict the effect of sequence changes on RNA splicing suggest that this variant may create or strengthen a splice site. Algorithms developed to predict the effect of missense changes on protein structure and function output the following: SIFT: "Tolerated"; PolyPhen-2: "Benign"; Align-GVGD: "Class C0". The valine amino acid residue is found in multiple mammalian species, which suggests that this missense change does not adversely affect protein function. This variant has not been reported in the literature in individuals affected with APC-related conditions. This variant is not present in population databases (gnomAD no frequency). This sequence change replaces leucine, which is neutral and non-polar, with valine, which is neutral and non-polar, at codon 1799 of the APC protein (p.Leu1799Val). In summary, the available evidence is currently insufficient to determine the role of this variant in disease. Therefore, it has been classified as a Variant of Uncertain Significance.

Ambry Genetics
Classification: Uncertain significance for Hereditary cancer-predisposing syndrome. Last evaluated: 2021-11-17. Review status: criteria provided, single submitter. Criteria: Ambry Variant Classification Scheme 2023. Collection method: clinical testing. Allele origin: germline.
Comment: The p.L1799V variant (also known as c.5395T>G), located in coding exon 15 of the APC gene, results from a T to G substitution at nucleotide position 5395. The leucine at codon 1799 is replaced by valine, an amino acid with highly similar properties. This amino acid position is not well conserved in available vertebrate species. In addition, in silico predictors for this gene do not accurately predict pathogenicity. Since supporting evidence is limited at this time, the clinical significance of this alteration remains unclear.

NM_000038.6(APC):c.5395T>G (p.Leu1799Val)

Gene: APC (APC regulator of Wnt signaling pathway; plus strand). Cytogenetic location: 5q22.2.
Variant type: single nucleotide variant.
Coding change: c.5395T>G on transcript NM_000038.6 (MANE Select); coding-DNA position 5395, T replaced by G.
Protein change: p.Leu1799Val; replaces leucine 1799 with valine.
Molecular consequence: missense variant.
Genome position (GRCh38, 1-based): chr5:112,840,989, T>G. VCF-style: chr5-112840989-T-G. GRCh37 (hg19) VCF-style: chr5-112176686-T-G.
Other names: c.5395T>G, p.Leu1799Val (NM_001127510.3, NM_001354895.2, NM_001407450.1); c.5341T>G, p.Leu1781Val (NM_001127511.3); c.5449T>G, p.Leu1817Val (NM_001354896.2, NM_001407447.1, NM_001407448.1 and 1 more transcripts); c.5425T>G, p.Leu1809Val (NM_001354897.2); c.5320T>G, p.Leu1774Val (NM_001354898.2); c.5311T>G, p.Leu1771Val (NM_001354899.2); c.5272T>G, p.Leu1758Val (NM_001354900.2); c.5218T>G, p.Leu1740Val (NM_001354901.2, NM_001407453.1); and 11 more; short protein forms L1670V, L1716V, L1774V, L1809V, L1698V, L1771V, L1781V, L1799V.
Identifiers: ClinVar variation 1747248 (VCV001747248.7), dbSNP rs2149939072, ClinGen allele CA16033124.